The following is an entry in ClinVar:

ClinVar aggregate classification (germline): Uncertain significance (1 of 4 stars; one submission).

Submission:

Greenwood Genetic Center Diagnostic Laboratories, Greenwood Genetic Center
Classification: Uncertain significance. Last evaluated: 2023-05-08. Review status: criteria provided, single submitter. Criteria: ACMG Guidelines, 2015. Collection method: clinical testing. Allele origin: germline. Affected: yes.
Comment: Gene of Uncertain Significance

NM_018085.5(IPO9):c.392C>T (p.Ala131Val)

Gene: IPO9 (importin 9; plus strand). Cytogenetic location: 1q32.1.
Variant type: single nucleotide variant.
Coding change: c.392C>T on transcript NM_018085.5 (MANE Select); coding-DNA position 392, C replaced by T.
Protein change: p.Ala131Val; replaces alanine 131 with valine.
Molecular consequence: missense variant.
Genome position (GRCh38, 1-based): chr1:201,848,472, C>T. VCF-style: chr1-201848472-C-T. GRCh37 (hg19) VCF-style: chr1-201817600-C-T.
Other names: short protein forms A131V.
Identifiers: ClinVar variation 2572195 (VCV002572195.1), dbSNP rs2526712930, ClinGen allele CA344205448.